The following is an entry in ClinVar:

NM_020297.4(ABCC9):c.4352T>C (p.Val1451Ala)

Genes: ABCC9 (ATP binding cassette subfamily C member 9; minus strand), KCNJ8-AS1 (KCNJ8 antisense RNA 1; plus strand). Cytogenetic location: 12p12.1.
Variant type: single nucleotide variant.
Coding change: c.4352T>C on transcript NM_020297.4 (MANE Select); coding-DNA position 4352, T replaced by C.
Protein change: p.Val1451Ala; replaces valine 1451 with alanine.
Molecular consequence: missense variant.
Genome position (GRCh38, 1-based): chr12:21,807,443, A>G on the plus strand (T>C on the coding strand, the complement: ABCC9 is on the minus strand). VCF-style: chr12-21807443-A-G. GRCh37 (hg19) VCF-style: chr12-21960377-A-G.
Other names: c.4352T>C, p.Val1451Ala (NM_001377273.1, NM_005691.4); c.3485T>C, p.Val1162Ala (NM_001377274.1); short protein forms V1451A, V1162A.
Identifiers: ClinVar variation 45414 (VCV000045414.12), dbSNP rs397517190, ClinGen allele CA136289.
Genomic context (GRCh38, chr12:21,807,443, plus strand): 5'-ATAAGAATGCTGCTTTTGCGGACAAAGGCCCTGGCAAGGCAAAATAGCTGTCTCTGTCCA[A>G]CGCTAAAATTCTCCCCACCTTCAGTGACAACCGCATCTAAATCAGAGAAAGAAGCAAGGA-3'
Protein context (NP_064693.2, residues 1441-1461): VVTEGGENFS[Val1451Ala]GQRQLFCLAR

ClinVar aggregate classification (germline): Uncertain significance. Review status: criteria provided, multiple submitters, no conflicts (2 of 4 stars). 2 submissions from 2 submitters: Uncertain significance (2). Last evaluated 2025-10-29.

Conditions:
Dilated cardiomyopathy 1O (CMD1O). Also called: CARDIOMYOPATHY, DILATED, WITH VENTRICULAR TACHYCARDIA. Identifiers: Orphanet 154, MedGen C1837839, MONDO:0012062, OMIM 608569.

Allele frequency attached by ClinVar (database versions not stated): gnomAD exomes 0.00001 and below 0.00001; TOPMed below 0.00001; ExAC 0.00001.
gnomAD v4.1: 6 of 1,613,948 alleles (0.00037%); highest among the groups gnomAD compares: Admixed American, 0.0017%; no homozygotes.

Submissions (2):

Labcorp Genetics (formerly Invitae), Labcorp
Classification: Uncertain significance for Dilated cardiomyopathy 1O. Last evaluated: 2025-10-29. Review status: criteria provided, single submitter. Criteria: Invitae Variant Classification Sherloc (09022015). Collection method: clinical testing. Allele origin: germline.
Comment: This sequence change replaces valine, which is neutral and non-polar, with alanine, which is neutral and non-polar, at codon 1451 of the ABCC9 protein (p.Val1451Ala). This variant is present in population databases (rs397517190, gnomAD 0.006%). This missense change has been observed in individual(s) with dilated cardiomyopathy (PMID: 27532257). ClinVar contains an entry for this variant (Variation ID: 45414). Invitae Evidence Modeling of protein sequence and biophysical properties (such as structural, functional, and spatial information, amino acid conservation, physicochemical variation, residue mobility, and thermodynamic stability) has been performed for this missense variant. However, the output from this modeling did not meet the statistical confidence thresholds required to predict the impact of this variant on ABCC9 protein function. In summary, the available evidence is currently insufficient to determine the role of this variant in disease. Therefore, it has been classified as a Variant of Uncertain Significance.

Laboratory for Molecular Medicine, Mass General Brigham Personalized Medicine
Classification: Uncertain significance. Last evaluated: 2012-05-02. Review status: criteria provided, single submitter. Criteria: LMM Criteria. Collection method: clinical testing. Allele origin: germline. Observed: 1 variant allele.
Comment: The Val1451Ala variant (ABCC9) has not been reported in the literature nor previ ously identified by our laboratory. Computational analyses (biochemical amino ac id properties, conservation, AlignGVGD, and SIFT) suggest that the variant may i mpact the protein but PolyPhen-2 predicts it to be benign. However, though this information is not predictive enough to determine pathogenicity. In summary, add itional information is needed to fully assess the clinical significance of the V al1451Ala variant.

Literature cited by the submitters: PubMed 27532257 (cited by Labcorp Genetics (formerly Invitae), Labcorp).